The following is an entry in ClinVar:

ClinVar aggregate classification (germline): Uncertain significance (1 of 4 stars; one submission).

Conditions:
Martsolf syndrome (MARTS). Also called: Congenital cataract with intellectual disability and hypogonadotropic hypogonadism syndrome. Identifiers: Orphanet 1387, MedGen C0796037, MONDO:0023910.
Warburg micro syndrome 2 (WARBM2). Also called: MICRO SYNDROME 2. Identifiers: Orphanet 2510, MedGen C3280214, MONDO:0013641, OMIM 614225.

Submission:

Labcorp Genetics (formerly Invitae), Labcorp
Classification: Uncertain significance for Martsolf syndrome; Warburg micro syndrome 2. Last evaluated: 2023-06-29. Review status: criteria provided, single submitter. Criteria: Invitae Variant Classification Sherloc (09022015). Collection method: clinical testing. Allele origin: germline.
Comment: In summary, the available evidence is currently insufficient to determine the role of this variant in disease. Therefore, it has been classified as a Variant of Uncertain Significance. Advanced modeling of protein sequence and biophysical properties (such as structural, functional, and spatial information, amino acid conservation, physicochemical variation, residue mobility, and thermodynamic stability) performed at Invitae indicates that this missense variant is expected to disrupt RAB3GAP2 protein function. ClinVar contains an entry for this variant (Variation ID: 2129581). This variant has not been reported in the literature in individuals affected with RAB3GAP2-related conditions. This variant is not present in population databases (gnomAD no frequency). This sequence change replaces lysine, which is basic and polar, with glutamine, which is neutral and polar, at codon 1078 of the RAB3GAP2 protein (p.Lys1078Gln).

NM_012414.4(RAB3GAP2):c.3232A>C (p.Lys1078Gln)

Gene: RAB3GAP2 (RAB3 GTPase activating non-catalytic protein subunit 2; minus strand). Cytogenetic location: 1q41.
Variant type: single nucleotide variant.
Coding change: c.3232A>C on transcript NM_012414.4 (MANE Select); coding-DNA position 3232, A replaced by C.
Protein change: p.Lys1078Gln; replaces lysine 1078 with glutamine.
Molecular consequence: missense variant.
Genome position (GRCh38, 1-based): chr1:220,159,415, T>G on the plus strand (A>C on the coding strand, the complement: RAB3GAP2 is on the minus strand). VCF-style: chr1-220159415-T-G. GRCh37 (hg19) VCF-style: chr1-220332757-T-G.
Other names: short protein forms K1078Q.
Identifiers: ClinVar variation 2129581 (VCV002129581.4), dbSNP rs2528619188, ClinGen allele CA344631567.